The following is an entry in ClinVar:

NM_001664.4(RHOA):c.139G>A (p.Glu47Lys)

Gene: RHOA (ras homolog family member A; minus strand). Cytogenetic location: 3p21.31.
Variant type: single nucleotide variant.
Coding change: c.139G>A on transcript NM_001664.4 (MANE Select); coding-DNA position 139, G replaced by A.
Protein change: p.Glu47Lys; replaces glutamic acid 47 with lysine.
Molecular consequence: missense variant. On other transcripts: 5 prime UTR variant (1), intron variant (1).
Genome position (GRCh38, 1-based): chr3:49,375,451, C>T on the plus strand (G>A on the coding strand, the complement: RHOA is on the minus strand). VCF-style: chr3-49375451-C-T. GRCh37 (hg19) VCF-style: chr3-49412884-C-T.
Other names: p.(Glu47Lys); c.139G>A (NM_001664.2); c.139G>A, p.Glu47Lys (NM_001313941.2, NM_001313943.2, NM_001313946.2 and 1 more transcripts); c.-105G>A (NM_001313945.2); c.129+10G>A (NM_001313944.2); short protein forms E47K.
Identifiers: ClinVar variation 695069 (VCV000695069.17), dbSNP rs1575653629, ClinGen allele CA352788014.

ClinVar aggregate classification (germline): Pathogenic. Review status: criteria provided, multiple submitters, no conflicts (2 of 4 stars). 9 submissions from 8 submitters: Pathogenic (7). 2 of the submissions do not count toward it. Last evaluated 2026-04-01.

Conditions:
neuro-ectodermal phenotype.
Ectodermal dysplasia with facial dysmorphism and acral, ocular, and brain anomalies. Also called: ECTODERMAL DYSPLASIA WITH FACIAL DYSMORPHISM AND ACRAL, OCULAR, AND BRAIN ANOMALIES, SOMATIC MOSAIC. Identifiers: MedGen C5231477, MONDO:0032884, OMIM 618727.
Hemihypertrophy. Identifiers: MedGen C0332890, HP:0001528.

Submissions (9):

Ambry Genetics
Classification: Pathogenic. Last evaluated: 2026-04-01. Review status: criteria provided, single submitter. Criteria: Ambry Variant Classification Scheme 2023. Collection method: clinical testing. Allele origin: germline.
Comment: The c.139G>A (p.E47K) alteration is located in exon 2 (coding exon 1) of the RHOA gene. This alteration results from a G to A substitution at nucleotide position 139, causing the glutamic acid (E) at amino acid position 47 to be replaced by a lysine (K). This variant was not reported in population-based cohorts in the Genome Aggregation Database (gnomAD). This variant was reported in individual(s) with features consistent with RHOA-related neuroectodermal syndrome; in at least one individual, it was determined to be de novo (Vabres, 2019; Yigit, 2020). This amino acid position is highly conserved in available vertebrate species. This missense variant is located in a region that has a low rate of benign missense variation (Lek, 2016; Firth, 2009). This alteration is predicted to be deleterious by in silico analysis. Based on the available evidence, this alteration is classified as pathogenic.

Labcorp Genetics (formerly Invitae), Labcorp
Classification: Pathogenic. Last evaluated: 2025-06-10. Review status: criteria provided, single submitter. Criteria: Invitae Variant Classification Sherloc (09022015). Collection method: clinical testing. Allele origin: germline.
Comment: This sequence change replaces glutamic acid, which is acidic and polar, with lysine, which is basic and polar, at codon 47 of the RHOA protein (p.Glu47Lys). This variant is not present in population databases (gnomAD no frequency). This missense change has been observed in individual(s) with RHOA-related conditions (PMID: 31570889, 31821646). In at least one individual the variant was observed to be de novo. ClinVar contains an entry for this variant (Variation ID: 695069). An algorithm developed to predict the effect of missense changes on protein structure and function (PolyPhen-2) suggests that this variant is likely to be disruptive. Experimental studies have shown that this missense change affects RHOA function (PMID: 31570889). For these reasons, this variant has been classified as Pathogenic.

GeneDx
Classification: Pathogenic. Last evaluated: 2022-11-25. Review status: criteria provided, single submitter. Criteria: GeneDx Variant Classification Process June 2021. Collection method: clinical testing. Allele origin: germline. Affected: yes.
Comment: Identified in multiple unrelated patients as a somatic mosaic variant in skin tissue with hypopigmented areas of the skin, dental anomalies, body asymmetry, hemihypotrophy and brain magnetic resonance imaging (MRI) anomalies in published literature (Vabres et al., 2019; Yigit et al., 2019); Published functional studies demonstrate a inactivating effect of the Glu47Lys RHOA variant (Vabres et al., 2019); Not observed at significant frequency in large population cohorts (gnomAD); In silico analysis supports that this missense variant has a deleterious effect on protein structure/function; This variant is associated with the following publications: (PMID: 31570889, 31821646, 32335911)

Baylor Genetics
Classification: Pathogenic for Ectodermal dysplasia with facial dysmorphism and acral, ocular, and brain anomalies. Last evaluated: 2022-11-06. Review status: criteria provided, single submitter. Criteria: ACMG Guidelines, 2015. Collection method: clinical testing. Allele origin: unknown.

Institute of Human Genetics, University of Goettingen
Classification: Pathogenic for neuro-ectodermal phenotype. Last evaluated: 2019-11-28. Review status: criteria provided, single submitter. Criteria: ACMG Guidelines, 2015. Collection method: research. Allele origin: de novo. Affected: yes. Observed: 4 variant alleles, 4 heterozygotes.

Equipe Genetique des Anomalies du Developpement, Université de Bourgogne
Classification: Pathogenic for Ectodermal dysplasia with facial dysmorphism and acral, ocular, and brain anomalies. Review status: criteria provided, single submitter. Criteria: ACMG Guidelines, 2015. Collection method: clinical testing. Allele origin: somatic. Affected: yes.

Equipe Genetique des Anomalies du Developpement, Université de Bourgogne
Classification: Pathogenic for Hemihypertrophy. Review status: criteria provided, single submitter. Criteria: ACMG Guidelines, 2015. Collection method: clinical testing. Allele origin: somatic. Affected: yes.

Undiagnosed Diseases Network, NIH
Classification: Pathogenic for Ectodermal dysplasia with facial dysmorphism and acral, ocular, and brain anomalies. Last evaluated: 2023-02-14. Review status: no assertion criteria provided. Collection method: clinical testing. Allele origin: de novo. Inheritance: Somatic mutation. Affected: yes. Observed: 1 variant allele, 1 heterozygote, 1 mosaic individual. Study: Undiagnosed Diseases Network (NIH), UDN. Not counted in ClinVar's aggregate classification.

OMIM
Classification: Pathogenic for ECTODERMAL DYSPLASIA WITH FACIAL DYSMORPHISM AND ACRAL, OCULAR, AND BRAIN ANOMALIES, SOMATIC MOSAIC. Last evaluated: 2020-01-29. Review status: no assertion criteria provided. Collection method: literature only. Allele origin: somatic. Not counted in ClinVar's aggregate classification.

Literature cited by the submitters: PubMed 31570889 (cited by 3 submitters); PubMed 31821646 (cited by Ambry Genetics and Labcorp Genetics (formerly Invitae), Labcorp).